The following is an entry in ClinVar:

ClinVar aggregate classification (germline): Conflicting classifications of pathogenicity. Review status: criteria provided, conflicting classifications (1 of 4 stars). 2 submissions from 2 submitters: Uncertain significance (1); Likely benign (1). Last evaluated 2025-02-25.

Conditions:
Inborn genetic diseases. Identifiers: MedGen C0950123, MeSH D030342.

Allele frequency attached by ClinVar (database versions not stated): ExAC 0.00001; gnomAD 0.00001; gnomAD exomes 0.00001 and 0.00002; TOPMed 0.00002.
gnomAD v4.1: 11 of 1,613,266 alleles (0.00068%); highest among the groups gnomAD compares: Admixed American, 0.013%; no homozygotes.

Submissions (2):

Labcorp Genetics (formerly Invitae), Labcorp
Classification: Uncertain significance. Last evaluated: 2025-02-25. Review status: criteria provided, single submitter. Criteria: Invitae Variant Classification Sherloc (09022015). Collection method: clinical testing. Allele origin: germline.
Comment: This sequence change replaces glutamine, which is neutral and polar, with glutamic acid, which is acidic and polar, at codon 3022 of the VCAN protein (p.Gln3022Glu). This variant is present in population databases (rs545986742, gnomAD 0.01%). This variant has not been reported in the literature in individuals affected with VCAN-related conditions. ClinVar contains an entry for this variant (Variation ID: 1010880). An algorithm developed to predict the effect of missense changes on protein structure and function outputs the following: PolyPhen-2: "Benign". The glutamic acid amino acid residue is found in multiple mammalian species, which suggests that this missense change does not adversely affect protein function. In summary, the available evidence is currently insufficient to determine the role of this variant in disease. Therefore, it has been classified as a Variant of Uncertain Significance.

Ambry Genetics
Classification: Likely benign for Inborn genetic diseases. Last evaluated: 2024-07-30. Review status: criteria provided, single submitter. Criteria: Ambry Variant Classification Scheme 2023. Collection method: clinical testing. Allele origin: germline.

NM_004385.5(VCAN):c.9064C>G (p.Gln3022Glu)

Genes: VCAN-AS1 (VCAN antisense RNA 1; minus strand), VCAN (versican; plus strand). Cytogenetic location: 5q14.3.
Variant type: single nucleotide variant.
Coding change: c.9064C>G on transcript NM_004385.5 (MANE Select); coding-DNA position 9064, C replaced by G.
Protein change: p.Gln3022Glu; replaces glutamine 3022 with glutamic acid.
Molecular consequence: missense variant. On other transcripts: intron variant (2).
Genome position (GRCh38, 1-based): chr5:83,542,067, C>G. VCF-style: chr5-83542067-C-G. GRCh37 (hg19) VCF-style: chr5-82837886-C-G.
Other names: c.9064C>G (NM_004385.4); c.6103C>G, p.Gln2035Glu (NM_001164097.2); c.4004-3470C>G (NM_001164098.2); c.1043-3470C>G (NM_001126336.3); short protein forms Q2035E, Q3022E.
Identifiers: ClinVar variation 1010880 (VCV001010880.9), dbSNP rs545986742, ClinGen allele CA3333904.